The following is an entry in ClinVar:

ClinVar aggregate classification (germline): Likely benign (0 of 4 stars; one submission).

Conditions:
EN1-related disorder. Also called: EN1-related condition.

Allele frequency attached by ClinVar (database versions not stated): 1000 Genomes Project 0.00040; 1000 Genomes Project 30x 0.00047; gnomAD 0.00122; TOPMed 0.00150.
gnomAD v4.1: 2,616 of 1,362,980 alleles (0.19%); highest among the groups gnomAD compares: Non-Finnish European, 0.23%; 7 homozygotes.

Submission:

PreventionGenetics, part of Exact Sciences
Classification: Likely benign for EN1-related condition. Last evaluated: 2022-07-19. Review status: no assertion criteria provided. Collection method: clinical testing. Allele origin: germline.
Comment: This variant is classified as likely benign based on ACMG/AMP sequence variant interpretation guidelines (Richards et al. 2015 PMID: 25741868, with internal and published modifications).

NM_001426.4(EN1):c.166C>G (p.Pro56Ala)

Gene: EN1 (engrailed homeobox 1; minus strand). Cytogenetic location: 2q14.2.
Variant type: single nucleotide variant.
Coding change: c.166C>G on transcript NM_001426.4 (MANE Select); coding-DNA position 166, C replaced by G.
Protein change: p.Pro56Ala; replaces proline 56 with alanine.
Molecular consequence: missense variant.
Genome position (GRCh38, 1-based): chr2:118,847,002, G>C on the plus strand (C>G on the coding strand, the complement: EN1 is on the minus strand). VCF-style: chr2-118847002-G-C. GRCh37 (hg19) VCF-style: chr2-119604578-G-C.
Other names: short protein forms P56A.
Identifiers: ClinVar variation 3033463 (VCV003033463.2), dbSNP rs544035952, ClinGen allele CA1845481.